The following is an entry in ClinVar:

NM_138694.4(PKHD1):c.8252G>C (p.Gly2751Ala)

Gene: PKHD1 (PKHD1 ciliary IPT domain containing fibrocystin/polyductin; minus strand). Cytogenetic location: 6p12.2.
Variant type: single nucleotide variant.
Coding change: c.8252G>C on transcript NM_138694.4 (MANE Select); coding-DNA position 8252, G replaced by C.
Protein change: p.Gly2751Ala; replaces glycine 2751 with alanine.
Molecular consequence: missense variant.
Genome position (GRCh38, 1-based): chr6:51,830,911, C>G on the plus strand (G>C on the coding strand, the complement: PKHD1 is on the minus strand). VCF-style: chr6-51830911-C-G. GRCh37 (hg19) VCF-style: chr6-51695709-C-G.
Other names: c.8252G>C, p.Gly2751Ala (NM_170724.3); short protein forms G2751A.
Identifiers: ClinVar variation 595405 (VCV000595405.7), dbSNP rs1441352481, ClinGen allele CA364423417.

ClinVar aggregate classification (germline): Uncertain significance. Review status: criteria provided, multiple submitters, no conflicts (2 of 4 stars). 2 submissions from 2 submitters: Uncertain significance (2). Last evaluated 2019-09-25.

Allele frequency attached by ClinVar (database versions not stated): gnomAD exomes 0.00001; TOPMed below 0.00001.
gnomAD v4.1: 3 of 1,612,690 alleles (0.00019%); highest among the groups gnomAD compares: Admixed American, 0.005%; no homozygotes.

Submissions (2):

GeneDx
Classification: Uncertain significance. Last evaluated: 2019-09-25. Review status: criteria provided, single submitter. Criteria: GeneDx Variant Classification Process June 2021. Collection method: clinical testing. Allele origin: germline. Affected: yes.
Comment: In silico analysis, which includes protein predictors and evolutionary conservation, supports a deleterious effect; Has not been previously published as pathogenic or benign to our knowledge

Eurofins Ntd Llc (ga)
Classification: Uncertain significance. Last evaluated: 2017-12-12. Review status: criteria provided, single submitter. Criteria: EGL Classification Definitions 2015. Collection method: clinical testing. Allele origin: germline.